The following is an entry in ClinVar:

NM_001164508.2(NEB):c.24998A>T (p.Gln8333Leu)

Genes: NEB (nebulin; minus strand), RIF1 (replication timing regulatory factor 1; plus strand). Cytogenetic location: 2q23.3.
Variant type: single nucleotide variant.
Coding change: c.24998A>T on transcript NM_001164508.2 (MANE Select); coding-DNA position 24998, A replaced by T.
Protein change: p.Gln8333Leu; replaces glutamine 8333 with leucine.
Molecular consequence: missense variant.
Genome position (GRCh38, 1-based): chr2:151,492,157, T>A on the plus strand (A>T on the coding strand, the complement: NEB is on the minus strand). VCF-style: chr2-151492157-T-A. GRCh37 (hg19) VCF-style: chr2-152348671-T-A.
Other names: c.24998A>T, p.Gln8333Leu (NM_001164507.2); c.25103A>T, p.Gln8368Leu (NM_001271208.2); c.19430A>T, p.Gln6477Leu (NM_004543.5); short protein forms Q6477L, Q8368L, Q8333L.
Identifiers: ClinVar variation 2882813 (VCV002882813.3), dbSNP rs759958496, ClinGen allele CA1905854.

ClinVar aggregate classification (germline): Uncertain significance (1 of 4 stars; one submission).

Conditions:
Nemaline myopathy 2 (NEM2). Also called: Nemaline myopathy 2, autosomal recessive. Identifiers: MedGen C1850569, MONDO:0009725, OMIM 256030.

Allele frequency attached by ClinVar (database versions not stated): gnomAD 0.00001; gnomAD exomes 0.00001; ExAC 0.00002.
gnomAD v4.1: 7 of 1,613,848 alleles (0.00043%); highest among the groups gnomAD compares: Non-Finnish European, 0.00059%; no homozygotes.

Submission:

Labcorp Genetics (formerly Invitae), Labcorp
Classification: Uncertain significance for Nemaline myopathy 2. Last evaluated: 2023-12-07. Review status: criteria provided, single submitter. Criteria: Invitae Variant Classification Sherloc (09022015). Collection method: clinical testing. Allele origin: germline.
Comment: This sequence change replaces glutamine, which is neutral and polar, with leucine, which is neutral and non-polar, at codon 8368 of the NEB protein (p.Gln8368Leu). This variant is present in population databases (rs759958496, gnomAD 0.002%). This variant has not been reported in the literature in individuals affected with NEB-related conditions. Experimental studies and prediction algorithms are not available or were not evaluated, and the functional significance of this variant is currently unknown. In summary, the available evidence is currently insufficient to determine the role of this variant in disease. Therefore, it has been classified as a Variant of Uncertain Significance.